The following is an entry in ClinVar:

ClinVar aggregate classification (germline): Pathogenic (1 of 4 stars; one submission).

Submission:

Labcorp Genetics (formerly Invitae), Labcorp
Classification: Pathogenic. Last evaluated: 2023-09-27. Review status: criteria provided, single submitter. Criteria: Invitae Variant Classification Sherloc (09022015). Collection method: clinical testing. Allele origin: unknown.
Comment: This variant is a gross deletion of the genomic region encompassing exon(s) 2 of the MICU1 gene, which includes the initiator codon. This deletion extends beyond the assayed region for this gene and therefore may encompass additional genes. It is expected to result in an absent or disrupted protein product. Loss-of-function variants in MICU1 are known to be pathogenic (PMID: 24336167). This variant has not been reported in the literature in individuals affected with MICU1-related conditions. For these reasons, this variant has been classified as Pathogenic.

Literature cited by the submitters: PubMed 24336167.

NC_000010.10:g.(?_74326371)_(74326551_?)del

Gene: MICU1 (mitochondrial calcium uptake 1; minus strand). Cytogenetic location: 10q22.1.
Variant type: Deletion.
Identifiers: ClinVar variation 3244972 (VCV003244972.1).